The following is an entry in ClinVar:

ClinVar aggregate classification (germline): Uncertain significance. Review status: criteria provided, multiple submitters, no conflicts (2 of 4 stars). 2 submissions from 2 submitters: Uncertain significance (2). Last evaluated 2026-05-10.

Conditions:
Inborn genetic diseases. Identifiers: MedGen C0950123, MeSH D030342.

gnomAD v4.1: 1 of 1,614,056 alleles (0.000062%); highest among the groups gnomAD compares: Non-Finnish European, 0.000085%; no homozygotes.

Submissions (2):

Ambry Genetics
Classification: Uncertain significance for Inborn genetic diseases. Last evaluated: 2026-05-10. Review status: criteria provided, single submitter. Criteria: Ambry Variant Classification Scheme 2023. Collection method: clinical testing. Allele origin: germline.

GeneDx
Classification: Uncertain significance. Last evaluated: 2025-05-29. Review status: criteria provided, single submitter. Criteria: GeneDx Variant Classification Process June 2021. Collection method: clinical testing. Allele origin: germline. Affected: yes.
Comment: Not observed at significant frequency in large population cohorts (gnomAD); In silico analysis supports that this missense variant has a deleterious effect on protein structure/function; Has not been previously published as pathogenic or benign to our knowledge

NM_000278.5(PAX2):c.515C>T (p.Pro172Leu)

Gene: PAX2 (paired box 2; plus strand). Cytogenetic location: 10q24.31.
Variant type: single nucleotide variant.
Coding change: c.515C>T on transcript NM_000278.5 (MANE Select); coding-DNA position 515, C replaced by T.
Protein change: p.Pro172Leu; replaces proline 172 with leucine.
Molecular consequence: missense variant.
Genome position (GRCh38, 1-based): chr10:100,781,264, C>T. VCF-style: chr10-100781264-C-T. GRCh37 (hg19) VCF-style: chr10-102541021-C-T.
Other names: c.515C>T (NM_003987.3); c.608C>T, p.Pro203Leu (NM_001304569.2); c.515C>T, p.Pro172Leu (NM_003987.5, NM_003988.5, NM_003989.5 and 1 more transcripts); short protein forms P172L, P203L.
Identifiers: ClinVar variation 4532511 (VCV004532511.2).